The following is an entry in ClinVar:

NM_001999.4(FBN2):c.3697G>C (p.Ala1233Pro)

Gene: FBN2 (fibrillin 2; minus strand). Cytogenetic location: 5q23.3.
Variant type: single nucleotide variant.
Coding change: c.3697G>C on transcript NM_001999.4 (MANE Select); coding-DNA position 3697, G replaced by C.
Protein change: p.Ala1233Pro; replaces alanine 1233 with proline.
Molecular consequence: missense variant.
Genome position (GRCh38, 1-based): chr5:128,336,015, C>G on the plus strand (G>C on the coding strand, the complement: FBN2 is on the minus strand). VCF-style: chr5-128336015-C-G. GRCh37 (hg19) VCF-style: chr5-127671707-C-G.
Other names: short protein forms A1233P.
Identifiers: ClinVar variation 3664841 (VCV003664841.2).

ClinVar aggregate classification (germline): Uncertain significance (1 of 4 stars; one submission).

Conditions:
Congenital contractural arachnodactyly (CCA). Also called: BEALS SYNDROME; Beals-Hecht syndrome; Arthrogryposis, distal, type 9. Identifiers: Orphanet 115, MedGen C0220668, MONDO:0007363, OMIM 121050.

gnomAD v4.1: 1 of 1,614,170 alleles (0.000062%); no homozygotes.

Submission:

Labcorp Genetics (formerly Invitae), Labcorp
Classification: Uncertain significance for Congenital contractural arachnodactyly. Last evaluated: 2024-06-06. Review status: criteria provided, single submitter. Criteria: Invitae Variant Classification Sherloc (09022015). Collection method: clinical testing. Allele origin: germline.
Comment: This sequence change replaces alanine, which is neutral and non-polar, with proline, which is neutral and non-polar, at codon 1233 of the FBN2 protein (p.Ala1233Pro). This variant is not present in population databases (gnomAD no frequency). This variant has not been reported in the literature in individuals affected with FBN2-related conditions. Advanced modeling of protein sequence and biophysical properties (such as structural, functional, and spatial information, amino acid conservation, physicochemical variation, residue mobility, and thermodynamic stability) performed at Invitae indicates that this missense variant is not expected to disrupt FBN2 protein function with a negative predictive value of 80%. In summary, the available evidence is currently insufficient to determine the role of this variant in disease. Therefore, it has been classified as a Variant of Uncertain Significance.